The following is an entry in ClinVar:

ClinVar aggregate classification (germline): Pathogenic (1 of 4 stars; one submission).

Conditions:
Alstrom syndrome (ALMS). Identifiers: Orphanet 64, MedGen C0268425, MONDO:0008763, OMIM 203800.

Submission:

Labcorp Genetics (formerly Invitae), Labcorp
Classification: Pathogenic for Alstrom syndrome. Last evaluated: 2021-11-17. Review status: criteria provided, single submitter. Criteria: Invitae Variant Classification Sherloc (09022015). Collection method: clinical testing. Allele origin: germline.
Comment: For these reasons, this variant has been classified as Pathogenic. This variant has not been reported in the literature in individuals affected with ALMS1-related conditions. This variant is not present in population databases (gnomAD no frequency). This sequence change creates a premature translational stop signal (p.Lys3681*) in the ALMS1 gene. It is expected to result in an absent or disrupted protein product. Loss-of-function variants in ALMS1 are known to be pathogenic (PMID: 17594715).

Literature cited by the submitters: PubMed 17594715.

NM_001378454.1(ALMS1):c.11037dup (p.Lys3680Ter)

Gene: ALMS1 (ALMS1 centrosome and basal body associated protein; plus strand). Cytogenetic location: 2p13.1.
Variant type: Duplication.
Coding change: c.11037dup on transcript NM_001378454.1 (MANE Select); coding-DNA position 11037, one base duplicated (T; older notation c.11037dupT).
Protein change: p.Lys3680Ter; replaces lysine 3680 with a stop codon.
Molecular consequence: nonsense.
Genome position (GRCh38, 1-based): chr2:73,572,914, T duplicated; the last of 3 consecutive T bases (chr2:73,572,912-73,572,914); duplicating any one gives the same sequence. VCF-style (leftmost placement, unchanged base first): chr2-73572911-G-GT. GRCh37 (hg19) VCF-style: chr2-73800038-G-GT.
Other names: c.11040dup, p.Lys3681Ter (NM_015120.4); short protein forms K3680*, K3681*.
Identifiers: ClinVar variation 1395743 (VCV001395743.6), dbSNP rs2104106303, ClinGen allele CA2573135805.